The following is an entry in ClinVar:

NM_006019.4(TCIRG1):c.370C>T (p.Gln124Ter)

Gene: TCIRG1 (T cell immune regulator 1, ATPase H+ transporting V0 subunit a3; plus strand). Cytogenetic location: 11q13.2.
Variant type: single nucleotide variant.
Coding change: c.370C>T on transcript NM_006019.4 (MANE Select); coding-DNA position 370, C replaced by T.
Protein change: p.Gln124Ter; replaces glutamine 124 with a stop codon.
Molecular consequence: nonsense. On other transcripts: 5 prime UTR variant (1), intron variant (1).
Genome position (GRCh38, 1-based): chr11:68,042,816, C>T. VCF-style: chr11-68042816-C-T. GRCh37 (hg19) VCF-style: chr11-67810283-C-T.
Other names: c.-880C>T (NM_001351059.2); c.370C>T, p.Gln124Ter (NM_001440552.1, NM_001440553.1, NM_001440554.1 and 9 more transcripts); c.328C>T, p.Gln110Ter (NM_001440555.1, NM_001440556.1, NM_001440563.1 and 2 more transcripts); c.118-130C>T (NM_001440565.1); short protein forms Q124*, Q110*.
Identifiers: ClinVar variation 5004434 (VCV005004434.1).

ClinVar aggregate classification (germline): Pathogenic (1 of 4 stars; one submission).

Conditions:
Autosomal recessive osteopetrosis 1. Also called: ALBERS-SCHONBERG DISEASE, AUTOSOMAL RECESSIVE; TCIRG1-Related Autosomal Recessive Osteopetrosis; TCIRG1-Related Osteopetrosis. Identifiers: Orphanet 667, MedGen C1850127, MONDO:0009815, OMIM 259700.

Submission:

Myriad Genetics, Inc.
Classification: Pathogenic for Autosomal recessive osteopetrosis 1. Last evaluated: 2026-01-29. Review status: criteria provided, single submitter. Criteria: Myriad Autosomal Dominant, Autosomal Recessive and X-Linked Classification Criteria (2023). Collection method: clinical testing. Allele origin: unknown.
Comment: NM_006019.3(TCIRG1):c.370C>T(Q124*) is a nonsense variant classified as pathogenic in the context of autosomal recessive osteopetrosis type 1. Q124* has not been observed in cases with relevant disease. Relevant functional assessments of this variant are not available in the literature. Q124* has not been observed in referenced population frequency databases. In summary, NM_006019.3(TCIRG1):c.370C>T(Q124*) is a nonsense variant in a gene where loss of function is a known mechanism of disease and is predicted to disrupt protein function. Please note: this variant was assessed in the context of healthy population screening.